The following is an entry in ClinVar:

ClinVar aggregate classification (germline): Uncertain significance (1 of 4 stars; one submission).

Conditions:
Fanconi anemia (FA). Also called: Fanconi's anemia. Identifiers: Orphanet 84, MedGen C0015625, MeSH D005199, MONDO:0019391.

gnomAD v4.1: 5 of 1,613,286 alleles (0.00031%); highest among the groups gnomAD compares: Non-Finnish European, 0.00042%; no homozygotes.

Submission:

Labcorp Genetics (formerly Invitae), Labcorp
Classification: Uncertain significance for Fanconi anemia. Last evaluated: 2024-05-22. Review status: criteria provided, single submitter. Criteria: Invitae Variant Classification Sherloc (09022015). Collection method: clinical testing. Allele origin: germline.
Comment: This sequence change replaces asparagine, which is neutral and polar, with isoleucine, which is neutral and non-polar, at codon 31 of the FANCI protein (p.Asn31Ile). This variant is not present in population databases (gnomAD no frequency). This variant has not been reported in the literature in individuals affected with FANCI-related conditions. ClinVar contains an entry for this variant (Variation ID: 2176175). Advanced modeling of protein sequence and biophysical properties (such as structural, functional, and spatial information, amino acid conservation, physicochemical variation, residue mobility, and thermodynamic stability) performed at Invitae indicates that this missense variant is not expected to disrupt FANCI protein function with a negative predictive value of 80%. In summary, the available evidence is currently insufficient to determine the role of this variant in disease. Therefore, it has been classified as a Variant of Uncertain Significance.

NM_001113378.2(FANCI):c.92A>T (p.Asn31Ile)

Gene: FANCI (FA complementation group I; plus strand). Cytogenetic location: 15q26.1.
Variant type: single nucleotide variant.
Coding change: c.92A>T on transcript NM_001113378.2 (MANE Select); coding-DNA position 92, A replaced by T.
Protein change: p.Asn31Ile; replaces asparagine 31 with isoleucine.
Molecular consequence: missense variant. On other transcripts: 5 prime UTR variant (1).
Genome position (GRCh38, 1-based): chr15:89,258,711, A>T. VCF-style: chr15-89258711-A-T. GRCh37 (hg19) VCF-style: chr15-89801942-A-T.
Other names: c.-188A>T (NM_001376910.1); c.92A>T, p.Asn31Ile (NM_001376911.1, NM_018193.3); short protein forms N31I.
Identifiers: ClinVar variation 2176175 (VCV002176175.3), dbSNP rs745341673, ClinGen allele CA393737323.